The following is an entry in ClinVar:

NM_016507.4(CDK12):c.3584C>T (p.Thr1195Met)

Gene: CDK12 (cyclin dependent kinase 12; plus strand). Cytogenetic location: 17q12.
Variant type: single nucleotide variant.
Coding change: c.3584C>T on transcript NM_016507.4 (MANE Select); coding-DNA position 3584, C replaced by T.
Protein change: p.Thr1195Met; replaces threonine 1195 with methionine.
Molecular consequence: missense variant.
Genome position (GRCh38, 1-based): chr17:39,526,140, C>T. VCF-style: chr17-39526140-C-T. GRCh37 (hg19) VCF-style: chr17-37682393-C-T.
Other names: NP_057591.2:p.Thr1195Met; c.3584C>T, p.Thr1195Met (NM_015083.4); c.3584C>T (NM_016507.3); short protein forms T1195M.
Identifiers: ClinVar variation 133859 (VCV000133859.13), dbSNP rs61741615, ClinGen allele CA158001.

ClinVar aggregate classification (germline): Benign/Likely benign. Review status: criteria provided, multiple submitters, no conflicts (2 of 4 stars). 5 submissions from 5 submitters: Benign (1); Likely benign (2). 2 of the submissions do not count toward it. Last evaluated 2025-08-01.

Conditions:
CDK12-related disorder. Also called: CDK12-related condition.
Hereditary breast ovarian cancer syndrome. Also called: Hereditary breast and ovarian cancer syndrome (HBOC); Hereditary breast and ovarian cancer; Hereditary breast and ovarian cancer syndrome; Breast and ovarian cancer; Hereditary breast and/or ovarian cancer syndrome; BRCA1- and BRCA2-Associated Hereditary Breast and Ovarian Cancer. Identifiers: Orphanet 145, MedGen C0677776, MeSH D061325, MONDO:0003582. Disease mechanism: loss of function.

Allele frequency attached by ClinVar (database versions not stated): gnomAD exomes 0.00086 and 0.00230; ExAC 0.00274; 1000 Genomes Project 0.00599; 1000 Genomes Project 30x 0.00640; gnomAD 0.00935 and 0.01000; TOPMed 0.01079; ESP Exome Variant Server 0.01115.
gnomAD v4.1: 2,743 of 1,614,192 alleles (0.17%); highest among the groups gnomAD compares: African/African-American, 3.2%; 41 homozygotes.

Submissions (5):

CeGaT Center for Human Genetics Tuebingen
Classification: Benign. Last evaluated: 2025-08-01. Review status: criteria provided, single submitter. Criteria: CeGaT Center For Human Genetics Tuebingen Variant Classification Criteria Version 2. Collection method: clinical testing. Allele origin: germline. Affected: yes. Observed: 1 variant allele.
Comment: CDK12: BP4, BS1, BS2

National Health Laboratory Service, Universitas Academic Hospital and University of the Free State
Classification: Likely benign for Hereditary breast ovarian cancer syndrome. Last evaluated: 2022-04-19. Review status: criteria provided, single submitter. Criteria: ACMG Guidelines, 2015. Collection method: clinical testing. Allele origin: germline. Affected: yes. Observed: 26 variant alleles.

Breakthrough Genomics
Classification: Likely benign. Review status: criteria provided, single submitter. Criteria: ACMG Guidelines, 2015. Collection method: not provided. Allele origin: germline. Inheritance: Unknown mechanism. Affected: yes.

PreventionGenetics, part of Exact Sciences
Classification: Benign for CDK12-related condition. Last evaluated: 2019-04-04. Review status: no assertion criteria provided. Collection method: clinical testing. Allele origin: germline. Not counted in ClinVar's aggregate classification.
Comment: This variant is classified as benign based on ACMG/AMP sequence variant interpretation guidelines (Richards et al. 2015 PMID: 25741868, with internal and published modifications).

ITMI
No classification provided. Condition: AllHighlyPenetrant. Last evaluated: 2013-09-19. Review status: no classification provided. Collection method: reference population. Allele origin: germline. Not counted in ClinVar's aggregate classification.
Comment: Please see associated publication for description of ethnicities

Literature cited by the submitters: PubMed 24728327 (cited by ITMI).